The following is an entry in ClinVar:

ClinVar aggregate classification (germline): Uncertain significance. Review status: criteria provided, single submitter (1 of 4 stars). 3 submissions from 1 submitter: Uncertain significance (3). Last evaluated 2023-12-07.

Conditions:
Primary ciliary dyskinesia 33. Also called: CILIARY DYSKINESIA, PRIMARY, 33, WITHOUT SITUS INVERSUS. Identifiers: Orphanet 244, MedGen C4225230, MONDO:0014750, OMIM 616726.
Fanconi anemia (FA). Also called: Fanconi's anemia. Identifiers: Orphanet 84, MedGen C0015625, MeSH D005199, MONDO:0019391.
Granulomatous disease, chronic, autosomal recessive, cytochrome b-negative. Also called: CGD DUE TO DEFICIENCY OF THE ALPHA SUBUNIT OF CYTOCHROME b; CGD, AUTOSOMAL RECESSIVE CYTOCHROME b-NEGATIVE; CYBA DEFICIENCY; Chronic granulomatous disease, autosomal, due to deficiency of CYBA; GRANULOMATOUS DISEASE, CHRONIC, AUTOSOMAL RECESSIVE, 4. Identifiers: Orphanet 379, MedGen C1856255, MONDO:0009308, OMIM 233690.

Submissions (3):

Labcorp Genetics (formerly Invitae), Labcorp
Classification: Uncertain significance for Fanconi anemia. Last evaluated: 2023-12-07. Review status: criteria provided, single submitter. Criteria: Invitae Variant Classification Sherloc (09022015). Collection method: clinical testing. Allele origin: unknown.
Comment: A copy number gain of the genomic region encompassing the full coding sequence of the FANCA gene has been identified. The boundaries of this event are unknown as they extend beyond the assayed region for this gene and therefore may encompass additional genes. As the precise location of this event is unknown, it may be in tandem or it may be located elsewhere in the genome. This variant has not been reported in the literature in individuals affected with FANCA-related conditions. Experimental studies and prediction algorithms are not available or were not evaluated, and the functional significance of this variant is currently unknown. In summary, the available evidence is currently insufficient to determine the role of this variant in disease. Therefore, it has been classified as a Variant of Uncertain Significance.

Labcorp Genetics (formerly Invitae), Labcorp
Classification: Uncertain significance for Granulomatous disease, chronic, autosomal recessive, cytochrome b-negative. Last evaluated: 2022-04-04. Review status: criteria provided, single submitter. Criteria: Invitae Variant Classification Sherloc (09022015). Collection method: clinical testing. Allele origin: germline.
Comment: A copy number gain of the genomic region encompassing the full coding sequence of the CYBA gene has been identified. The boundaries of this event are unknown as they extend beyond the assayed region for this gene and therefore may encompass additional genes. As the precise location of this event is unknown, it may be in tandem or it may be located elsewhere in the genome. This variant has not been reported in the literature in individuals affected with CYBA-related conditions. Experimental studies and prediction algorithms are not available or were not evaluated, and the functional significance of this variant is currently unknown. In summary, the available evidence is currently insufficient to determine the role of this variant in disease. Therefore, it has been classified as a Variant of Uncertain Significance.

Labcorp Genetics (formerly Invitae), Labcorp
Classification: Uncertain significance for Primary ciliary dyskinesia 33. Last evaluated: 2022-04-04. Review status: criteria provided, single submitter. Criteria: Invitae Variant Classification Sherloc (09022015). Collection method: clinical testing. Allele origin: germline.
Comment: A copy number gain of the genomic region encompassing the full coding sequence of the GAS8 gene has been identified. The boundaries of this event are unknown as they extend beyond the assayed region for this gene and therefore may encompass additional genes. As the precise location of this event is unknown, it may be in tandem or it may be located elsewhere in the genome. This variant has not been reported in the literature in individuals affected with GAS8-related conditions. In summary, the available evidence is currently insufficient to determine the role of this variant in disease. Therefore, it has been classified as a Variant of Uncertain Significance.

NC_000016.9:g.(?_87636753)_(90109753_?)dup

Genes: ACSF3 (acyl-CoA synthetase family member 3; plus strand), ANKRD11 (ankyrin repeat domain 11; minus strand), APRT (adenine phosphoribosyltransferase; minus strand), BANP (BTG3 associated nuclear protein; plus strand), CA5A (carbonic anhydrase 5A; minus strand) and 42 more. Cytogenetic location: 16q24.2-24.3.
Variant type: Duplication.
Identifiers: ClinVar variation 2422362 (VCV002422362.3).